The following is an entry in ClinVar:

ClinVar aggregate classification (germline): Uncertain significance. Review status: criteria provided, multiple submitters, no conflicts (2 of 4 stars). 3 submissions from 3 submitters: Uncertain significance (3). Last evaluated 2025-08-11.

Conditions:
Bartter disease type 1. Also called: HYPERPROSTAGLANDIN E SYNDROME 1; HYPOKALEMIC ALKALOSIS WITH HYPERCALCIURIA 1, ANTENATAL; Bartter syndrome, type 1, antenatal; Bartter Syndrome type 1. Identifiers: Orphanet 112, Orphanet 620217, MedGen C1866495, MONDO:0100344, OMIM 601678, MONDO:0011127.

Allele frequency attached by ClinVar (database versions not stated): gnomAD exomes 0.00001; TOPMed 0.00002; ExAC 0.00003; gnomAD 0.00003; ESP Exome Variant Server 0.00008.
gnomAD v4.1: 24 of 1,611,484 alleles (0.0015%); highest among the groups gnomAD compares: African/African-American, 0.02%; no homozygotes.

Submissions (3):

Labcorp Genetics (formerly Invitae), Labcorp
Classification: Uncertain significance. Last evaluated: 2025-08-11. Review status: criteria provided, single submitter. Criteria: Invitae Variant Classification Sherloc (09022015). Collection method: clinical testing. Allele origin: germline.
Comment: This sequence change replaces valine, which is neutral and non-polar, with isoleucine, which is neutral and non-polar, at codon 317 of the SLC12A1 protein (p.Val317Ile). This variant is present in population databases (rs113506297, gnomAD 0.02%). This variant has not been reported in the literature in individuals affected with SLC12A1-related conditions. ClinVar contains an entry for this variant (Variation ID: 2193187). Invitae Evidence Modeling of protein sequence and biophysical properties (such as structural, functional, and spatial information, amino acid conservation, physicochemical variation, residue mobility, and thermodynamic stability) indicates that this missense variant is not expected to disrupt SLC12A1 protein function with a negative predictive value of 95%. In summary, the available evidence is currently insufficient to determine the role of this variant in disease. Therefore, it has been classified as a Variant of Uncertain Significance.

Center for Statistical Genetics, Columbia University
Classification: Uncertain significance for Bartter disease type 1. Last evaluated: 2024-11-08. Review status: criteria provided, single submitter. Criteria: ACMG Guidelines, 2015. Collection method: research. Allele origin: germline. Inheritance: Autosomal recessive inheritance. Affected: yes. Observed: 2 homozygotes.

Fulgent Genetics
Classification: Uncertain significance for Bartter disease type 1. Last evaluated: 2023-12-21. Review status: criteria provided, single submitter. Criteria: ACMG Guidelines, 2015. Collection method: clinical testing. Allele origin: germline.

NM_000338.3(SLC12A1):c.949G>A (p.Val317Ile)

Gene: SLC12A1 (solute carrier family 12 member 1; plus strand). Cytogenetic location: 15q21.1.
Variant type: single nucleotide variant.
Coding change: c.949G>A on transcript NM_000338.3 (MANE Select); coding-DNA position 949, G replaced by A.
Protein change: p.Val317Ile; replaces valine 317 with isoleucine.
Molecular consequence: missense variant.
Genome position (GRCh38, 1-based): chr15:48,230,477, G>A. VCF-style: chr15-48230477-G-A. GRCh37 (hg19) VCF-style: chr15-48522674-G-A.
Other names: c.949G>A, p.Val317Ile (NM_001184832.2, NM_001384136.1); short protein forms V317I.
Identifiers: ClinVar variation 2193187 (VCV002193187.3), dbSNP rs113506297, ClinGen allele CA7546936.